The following is an entry in ClinVar:

NM_006218.4(PIK3CA):c.2524G>A (p.Gly842Ser)

Gene: PIK3CA (phosphatidylinositol-4,5-bisphosphate 3-kinase catalytic subunit alpha; plus strand). Cytogenetic location: 3q26.32.
Variant type: single nucleotide variant.
Coding change: c.2524G>A on transcript NM_006218.4 (MANE Select); coding-DNA position 2524, G replaced by A.
Protein change: p.Gly842Ser; replaces glycine 842 with serine.
Molecular consequence: missense variant.
Genome position (GRCh38, 1-based): chr3:179,229,300, G>A. VCF-style: chr3-179229300-G-A. GRCh37 (hg19) VCF-style: chr3-178947088-G-A.
Other names: c.2524G>A (LRG_310t1); short protein forms G842S.
Identifiers: ClinVar variation 565987 (VCV000565987.9), dbSNP rs1560148927, ClinGen allele CA355277269.

ClinVar aggregate classification (germline): Uncertain significance (1 of 4 stars; one submission).

Conditions:
Cowden syndrome (CS). Also called: Cowden's disease; Cowden's syndrome; Cowden disease. Identifiers: Orphanet 201, MedGen C0018553, MONDO:0016063. Disease mechanism: gain of function.

Allele frequency attached by ClinVar (database versions not stated): gnomAD 0.00001; TOPMed 0.00001.
gnomAD v4.1: 3 of 1,612,084 alleles (0.00019%); highest among the groups gnomAD compares: Non-Finnish European, 0.00025%; no homozygotes.

Submission:

Labcorp Genetics (formerly Invitae), Labcorp
Classification: Uncertain significance for Cowden syndrome. Last evaluated: 2018-04-19. Review status: criteria provided, single submitter. Criteria: Invitae Variant Classification Sherloc (09022015). Collection method: clinical testing. Allele origin: germline.
Comment: This variant has not been reported in the literature in individuals with PIK3CA-related disease. In summary, the available evidence is currently insufficient to determine the role of this variant in disease. Therefore, it has been classified as a Variant of Uncertain Significance. Algorithms developed to predict the effect of sequence changes on RNA splicing suggest that this variant may create or strengthen a splice site, but this prediction has not been confirmed by published transcriptional studies. Algorithms developed to predict the effect of missense changes on protein structure and function (SIFT, PolyPhen-2, Align-GVGD) all suggest that this variant is likely to be disruptive, but these predictions have not been confirmed by published functional studies and their clinical significance is uncertain. This variant is not present in population databases (ExAC no frequency). This sequence change replaces glycine with serine at codon 842 of the PIK3CA protein (p.Gly842Ser). The glycine residue is highly conserved and there is a small physicochemical difference between glycine and serine.